The following is an entry in ClinVar:

ClinVar aggregate classification (germline): Uncertain significance (1 of 4 stars; one submission).

Allele frequency attached by ClinVar (database versions not stated): TOPMed below 0.00001; ExAC 0.00001; gnomAD exomes 0.00001.
gnomAD v4.1: 16 of 1,614,228 alleles (0.00099%); highest among the groups gnomAD compares: Non-Finnish European, 0.0014%; no homozygotes.

Submission:

Labcorp Genetics (formerly Invitae), Labcorp
Classification: Uncertain significance. Last evaluated: 2023-09-20. Review status: criteria provided, single submitter. Criteria: Invitae Variant Classification Sherloc (09022015). Collection method: clinical testing. Allele origin: germline.
Comment: In summary, the available evidence is currently insufficient to determine the role of this variant in disease. Therefore, it has been classified as a Variant of Uncertain Significance. An algorithm developed to predict the effect of missense changes on protein structure and function (PolyPhen-2) suggests that this variant is likely to be disruptive. This variant has not been reported in the literature in individuals affected with ADCY10-related conditions. This variant is present in population databases (rs763822736, gnomAD 0.0009%). This sequence change replaces threonine, which is neutral and polar, with serine, which is neutral and polar, at codon 842 of the ADCY10 protein (p.Thr842Ser).

NM_018417.6(ADCY10):c.2525C>G (p.Thr842Ser)

Gene: ADCY10 (adenylate cyclase 10; minus strand). Cytogenetic location: 1q24.2.
Variant type: single nucleotide variant.
Coding change: c.2525C>G on transcript NM_018417.6 (MANE Select); coding-DNA position 2525, C replaced by G.
Protein change: p.Thr842Ser; replaces threonine 842 with serine.
Molecular consequence: missense variant.
Genome position (GRCh38, 1-based): chr1:167,846,176, G>C on the plus strand (C>G on the coding strand, the complement: ADCY10 is on the minus strand). VCF-style: chr1-167846176-G-C. GRCh37 (hg19) VCF-style: chr1-167815414-G-C.
Other names: c.2066C>G, p.Thr689Ser (NM_001167749.3); c.2249C>G, p.Thr750Ser (NM_001297772.2); short protein forms T689S, T750S, T842S.
Identifiers: ClinVar variation 2719124 (VCV002719124.3), dbSNP rs763822736, ClinGen allele CA1227609.